The following is an entry in ClinVar:

NM_000062.3(SERPING1):c.539_543delinsT (p.Gln180fs)

Gene: SERPING1 (serpin family G member 1; plus strand). Cytogenetic location: 11q12.1.
Variant type: Indel.
Coding change: c.539_543delinsT on transcript NM_000062.3 (MANE Select); coding-DNA positions 539 to 543, AGGTC replaced by T.
Protein change: p.Gln180fs; shifts the reading frame from glutamine 180.
Molecular consequence: frameshift variant.
Genome position (GRCh38, 1-based): chr11:57,600,366-57,600,370, AGGTC replaced by T. VCF-style: chr11-57600366-AGGTC-T. GRCh37 (hg19) VCF-style: chr11-57367839-AGGTC-T.
Other names: c.539_543delinsT, p.Gln180fs (NM_001032295.2); short protein forms Q180fs.
Identifiers: ClinVar variation 3336720 (VCV003336720.2).

ClinVar aggregate classification (germline): Pathogenic (1 of 4 stars; one submission).

Conditions:
Hereditary angioedema type 1 (HAE1). Identifiers: Orphanet 100050, Orphanet 100051, Orphanet 91378, MedGen C2717906, MONDO:0015053, OMIM 106100.

Submission:

DNA-diagnostics Laboratory, Research Centre For Medical Genetics
Classification: Pathogenic for Hereditary angioedema type 1. Last evaluated: 2024-08-09. Review status: criteria provided, single submitter. Criteria: ACMG Guidelines, 2015. Collection method: research. Allele origin: germline. Inheritance: Autosomal dominant inheritance. Affected: yes. Observed: 1 heterozygote.
Comment: The pathogenic or likely pathogenic SERPING1 gene variants are detected in >90% of the HAE1/2 families and in >80% of the total HAE families (e.g., DOI: 10.1016/j.molimm.2008.05.007, 10.1159/2F000138883, 10.1016/j.molimm.2011.07.010). Across all SERPING1 gene exons, about 50% of the pathogenic or likely pathogenic variants associated with HAE are LoF (173/297 in ClinVar or 292/596 in HGMD 2022.1). The c.539_543delinsT variant in SERPING1 is localized in exon 3 from total of eight gene exons assembling biologically-relevant transcripts, and it is predicted to result in the p.Gln180Leufs*30 frameshift and NMD. Additionally more than 3 LoF variants of the exon 3 SERPING1 gene are pathogenic without the PVS1 criterion: for example, such variants as c.346C>T (p.Gln116*, DOI: 10.1067/mai.2000.110471, 10.1371/journal.pone.0142174), c.120_121del (ClinVar ID: 3248624), c.550+5G>A (ClinVar ID: 3248617) and c.550G>A (p.Gly184Arg, ClinVar ID: 68253). This variant has not been reported in a large population database. In summary, the c.539_543delinsT variant in SERPING1 meets ACMG/ClinGen SVI guidance criteria to be classified as pathogenic: PVS1, PP4_Mod, PM2_Sup

Literature cited by the submitters: DOI 10.1016/j.molimm.2008.05.007; DOI 10.1159/2F000138883; DOI 10.1016/j.molimm.2011.07.010; DOI 10.1067/mai.2000.110471; DOI 10.1371/journal.pone.0142174.